The following is an entry in ClinVar:

ClinVar aggregate classification (germline): Uncertain significance (1 of 4 stars; one submission).

gnomAD v4.1: 12 of 1,613,546 alleles (0.00074%); highest among the groups gnomAD compares: South Asian, 0.011%; no homozygotes.

Submission:

Labcorp Genetics (formerly Invitae), Labcorp
Classification: Uncertain significance. Last evaluated: 2023-03-19. Review status: criteria provided, single submitter. Criteria: Invitae Variant Classification Sherloc (09022015). Collection method: clinical testing. Allele origin: germline.
Comment: This variant is present in population databases (no rsID available, gnomAD 0.003%). This variant has not been reported in the literature in individuals affected with IFT74-related conditions. ClinVar contains an entry for this variant (Variation ID: 2009266). An algorithm developed to predict the effect of missense changes on protein structure and function (PolyPhen-2) suggests that this variant is likely to be tolerated. In summary, the available evidence is currently insufficient to determine the role of this variant in disease. Therefore, it has been classified as a Variant of Uncertain Significance. This sequence change replaces isoleucine, which is neutral and non-polar, with threonine, which is neutral and polar, at codon 389 of the IFT74 protein (p.Ile389Thr).

NM_025103.4(IFT74):c.1166T>C (p.Ile389Thr)

Gene: IFT74 (intraflagellar transport 74; plus strand). Cytogenetic location: 9p21.2.
Variant type: single nucleotide variant.
Coding change: c.1166T>C on transcript NM_025103.4 (MANE Select); coding-DNA position 1166, T replaced by C.
Protein change: p.Ile389Thr; replaces isoleucine 389 with threonine.
Molecular consequence: missense variant.
Genome position (GRCh38, 1-based): chr9:27,047,331, T>C. VCF-style: chr9-27047331-T-C. GRCh37 (hg19) VCF-style: chr9-27047329-T-C.
Other names: c.1166T>C, p.Ile389Thr (NM_001099222.3, NM_001099223.3, NM_001349928.2); short protein forms I389T.
Identifiers: ClinVar variation 2009266 (VCV002009266.4), dbSNP rs779326799, ClinGen allele CA373125315.
Genomic context (GRCh38, chr9:27,047,331, plus strand): 5'-CAGCTTTTATTGAGACTTTTGAGGAAACAAAGAATCAGGAACTGAAACGAAAGGCACAGA[T>C]AGAAGCCAACATTGTTGCACTCTTGGAGCACTGCAGTCGAGTGAGTACCATGTGCCTGTC-3'
Protein context (NP_079379.2, residues 379-399): KNQELKRKAQ[Ile389Thr]EANIVALLEH